The following is an entry in ClinVar:

ClinVar aggregate classification (germline): Benign/Likely benign. Review status: criteria provided, multiple submitters, no conflicts (2 of 4 stars). 7 submissions from 7 submitters: Benign (5); Likely benign (1). 1 of the submissions does not count toward it. Last evaluated 2026-08-01.

Conditions:
G6PC3-related disorder. Also called: G6PC3-related condition.
Autosomal recessive severe congenital neutropenia due to G6PC3 deficiency. Also called: NEUTROPENIA, SEVERE CONGENITAL, 4, AUTOSOMAL RECESSIVE; G6PC3 Deficiency. Identifiers: Orphanet 331176, MedGen C2751630, MONDO:0012930, OMIM 612541.

Allele frequency attached by ClinVar (database versions not stated): gnomAD exomes 0.01066 and 0.00643; 1000 Genomes Project 30x 0.00141; 1000 Genomes Project 0.00160; ExAC 0.00633; gnomAD 0.00697 and 0.00711; TOPMed 0.00703; ESP Exome Variant Server 0.00792.

Submissions (7):

CeGaT Center for Human Genetics Tuebingen
Classification: Benign. Last evaluated: 2026-08-01. Review status: criteria provided, single submitter. Criteria: CeGaT Center For Human Genetics Tuebingen Variant Classification Criteria Version 2. Collection method: clinical testing. Allele origin: germline. Affected: yes. Observed: 25 variant alleles.
Comment: G6PC3: BS1, BS2

Women's Health and Genetics/Laboratory Corporation of America, LabCorp
Classification: Benign. Last evaluated: 2026-01-22. Review status: criteria provided, single submitter. Criteria: LabCorp Variant Classification Summary - May 2015. Collection method: clinical testing. Allele origin: germline.

Blueprint Genetics
Classification: Likely benign. Last evaluated: 2024-11-27. Review status: criteria provided, single submitter. Criteria: ACMG Guidelines, 2015. Collection method: clinical testing. Allele origin: germline.

Mayo Clinic Laboratories, Mayo Clinic
Classification: Benign. Last evaluated: 2024-09-30. Review status: criteria provided, single submitter. Criteria: ACMG Guidelines, 2015. Collection method: clinical testing. Allele origin: germline. Observed: 25 variant alleles.
Comment: BS1, BS2

Illumina Laboratory Services, Illumina
Classification: Benign for Autosomal recessive severe congenital neutropenia due to G6PC3 deficiency. Last evaluated: 2018-01-13. Review status: criteria provided, single submitter. Criteria: ICSL Variant Classification Criteria 13 December 2019. Collection method: clinical testing. Allele origin: germline.
Comment: This variant was observed in the ICSL laboratory as part of a predisposition screen in an ostensibly healthy population. It had not been previously curated by ICSL or reported in the Human Gene Mutation Database (HGMD: prior to June 1st, 2018), and was therefore a candidate for classification through an automated scoring system. Utilizing variant allele frequency, disease prevalence and penetrance estimates, and inheritance mode, an automated score was calculated to assess if this variant is too frequent to cause the disease. Based on the score and internal cut-off values, a variant classified as benign is not then subjected to further curation. The score for this variant resulted in a classification of benign for this disease.

Genetic Services Laboratory, University of Chicago
Classification: Benign. Last evaluated: 2016-12-19. Review status: criteria provided, single submitter. Criteria: ACMG Guidelines, 2015. Collection method: clinical testing. Allele origin: germline. Affected: no.

PreventionGenetics, part of Exact Sciences
Classification: Benign for G6PC3-related condition. Last evaluated: 2020-03-16. Review status: no assertion criteria provided. Collection method: clinical testing. Allele origin: germline. Not counted in ClinVar's aggregate classification.
Comment: This variant is classified as benign based on ACMG/AMP sequence variant interpretation guidelines (Richards et al. 2015 PMID: 25741868, with internal and published modifications).

NM_138387.4(G6PC3):c.*2T>C

Gene: G6PC3 (glucose-6-phosphatase catalytic subunit 3; plus strand). Cytogenetic location: 17q21.31.
Variant type: single nucleotide variant.
Coding change: c.*2T>C on transcript NM_138387.4 (MANE Select); 2 bases downstream of the stop codon, T replaced by C.
Molecular consequence: 3 prime UTR variant.
Genome position (GRCh38, 1-based): chr17:44,076,045, T>C. VCF-style: chr17-44076045-T-C. GRCh37 (hg19) VCF-style: chr17-42153413-T-C.
Other names: c.*336T>C (NM_001319945.2); c.*2T>C (NM_001384165.1, NM_001384166.1, NM_001384167.1 and 1 more transcripts).
Identifiers: ClinVar variation 211056 (VCV000211056.47), dbSNP rs113416399, ClinGen allele CA205826.
Genomic context (GRCh38, chr17:44,076,045, plus strand): 5'-TGCCCTGGGCAGTGCACATGTTCAGTGCCCAGGAAGCACCGCCCATCCACTCTTCCTGAC[T>C]TCTTGTGTGCCTCCCTTTCCTTTCCCTCCCACAAAGCCAACACTCTGTGACCACCACACT-3'